The following is an entry in ClinVar:

NM_007272.3(CTRC):c.691G>T (p.Val231Leu)

Gene: CTRC (chymotrypsin C; plus strand). Cytogenetic location: 1p36.21.
Variant type: single nucleotide variant.
Coding change: c.691G>T on transcript NM_007272.3 (MANE Select); coding-DNA position 691, G replaced by T.
Protein change: p.Val231Leu; replaces valine 231 with leucine.
Molecular consequence: missense variant.
Genome position (GRCh38, 1-based): chr1:15,445,648, G>T. VCF-style: chr1-15445648-G-T. GRCh37 (hg19) VCF-style: chr1-15772143-G-T.
Other names: short protein forms V231L.
Identifiers: ClinVar variation 3498393 (VCV003498393.3).

ClinVar aggregate classification (germline): Uncertain significance. Review status: criteria provided, multiple submitters, no conflicts (2 of 4 stars). 2 submissions from 2 submitters: Uncertain significance (2). Last evaluated 2024-11-12.

Conditions:
Hereditary pancreatitis (PCTT). Also called: Hereditary chronic pancreatitis; PRSS1-Related Hereditary Pancreatitis. Identifiers: Orphanet 676, MedGen C0238339, MONDO:0008185, OMIM 167800.

Submissions (2):

Ambry Genetics
Classification: Uncertain significance for Hereditary pancreatitis. Last evaluated: 2024-11-12. Review status: criteria provided, single submitter. Criteria: Ambry Variant Classification Scheme 2023. Collection method: clinical testing. Allele origin: germline.
Comment: The p.V231L variant (also known as c.691G>T), located in coding exon 7 of the CTRC gene, results from a G to T substitution at nucleotide position 691. The valine at codon 231 is replaced by leucine, an amino acid with highly similar properties. This amino acid position is conserved. In addition, the in silico prediction for this alteration is inconclusive. Based on the available evidence, the clinical significance of this variant remains unclear.

Labcorp Genetics (formerly Invitae), Labcorp
Classification: Uncertain significance for Hereditary pancreatitis. Last evaluated: 2024-03-02. Review status: criteria provided, single submitter. Criteria: Invitae Variant Classification Sherloc (09022015). Collection method: clinical testing. Allele origin: germline.
Comment: This sequence change replaces valine, which is neutral and non-polar, with leucine, which is neutral and non-polar, at codon 231 of the CTRC protein (p.Val231Leu). This variant is not present in population databases (gnomAD no frequency). This variant has not been reported in the literature in individuals affected with CTRC-related conditions. Advanced modeling of protein sequence and biophysical properties (such as structural, functional, and spatial information, amino acid conservation, physicochemical variation, residue mobility, and thermodynamic stability) performed at Invitae indicates that this missense variant is not expected to disrupt CTRC protein function with a negative predictive value of 80%. In summary, the available evidence is currently insufficient to determine the role of this variant in disease. Therefore, it has been classified as a Variant of Uncertain Significance.